The following is an entry in ClinVar:

NM_001098426.2(SMARCD2):c.383T>C (p.Met128Thr)

Gene: SMARCD2 (SWI/SNF related BAF chromatin remodeling complex subunit D2; minus strand). Cytogenetic location: 17q23.3.
Variant type: single nucleotide variant.
Coding change: c.383T>C on transcript NM_001098426.2 (MANE Select); coding-DNA position 383, T replaced by C.
Protein change: p.Met128Thr; replaces methionine 128 with threonine.
Molecular consequence: missense variant.
Genome position (GRCh38, 1-based): chr17:63,837,459, A>G on the plus strand (T>C on the coding strand, the complement: SMARCD2 is on the minus strand). VCF-style: chr17-63837459-A-G. GRCh37 (hg19) VCF-style: chr17-61914819-A-G.
Other names: c.158T>C, p.Met53Thr (NM_001330439.1); c.239T>C, p.Met80Thr (NM_001330440.2); short protein forms M80T, M128T, M53T.
Identifiers: ClinVar variation 4769088 (VCV004769088.1).

ClinVar aggregate classification (germline): Uncertain significance (1 of 4 stars; one submission).

Submission:

Labcorp Genetics (formerly Invitae), Labcorp
Classification: Uncertain significance. Last evaluated: 2025-09-28. Review status: criteria provided, single submitter. Criteria: Invitae Variant Classification Sherloc (09022015). Collection method: clinical testing. Allele origin: germline.
Comment: This sequence change replaces methionine, which is neutral and non-polar, with threonine, which is neutral and polar, at codon 128 of the SMARCD2 protein (p.Met128Thr). This variant is not present in population databases (gnomAD no frequency). This variant has not been reported in the literature in individuals affected with SMARCD2-related conditions. Invitae Evidence Modeling of protein sequence and biophysical properties (such as structural, functional, and spatial information, amino acid conservation, physicochemical variation, residue mobility, and thermodynamic stability) indicates that this missense variant is not expected to disrupt SMARCD2 protein function with a negative predictive value of 80%. In summary, the available evidence is currently insufficient to determine the role of this variant in disease. Therefore, it has been classified as a Variant of Uncertain Significance.